The following is an entry in ClinVar:

NM_000245.4(MET):c.3355G>A (p.Gly1119Arg)

Gene: MET (MET proto-oncogene, receptor tyrosine kinase; plus strand). Cytogenetic location: 7q31.2.
Variant type: single nucleotide variant.
Coding change: c.3355G>A on transcript NM_000245.4 (MANE Select); coding-DNA position 3355, G replaced by A.
Protein change: p.Gly1119Arg; replaces glycine 1119 with arginine.
Molecular consequence: missense variant.
Genome position (GRCh38, 1-based): chr7:116,778,790, G>A. VCF-style: chr7-116778790-G-A. GRCh37 (hg19) VCF-style: chr7-116418844-G-A.
Other names: p.Gly1137Arg; c.3409G>A, p.Gly1137Arg (NM_001127500.3); c.2065G>A, p.Gly689Arg (NM_001324402.2); short protein forms G1119R, G689R, G1137R.
Identifiers: ClinVar variation 834879 (VCV000834879.9), dbSNP rs1191752014, ClinGen allele CA16622031.

ClinVar aggregate classification (germline): Conflicting classifications of pathogenicity. Review status: criteria provided, conflicting classifications (1 of 4 stars). 3 submissions from 3 submitters: Uncertain significance (2); Likely benign (1). Last evaluated 2025-11-02.

Conditions:
Renal cell carcinoma. Identifiers: Orphanet 217071, MedGen C0007134, MeSH D002292, MONDO:0005086, HP:0005584.
Hereditary cancer-predisposing syndrome. Also called: Hereditary neoplastic syndrome; Neoplastic Syndromes, Hereditary; Tumor predisposition; Hereditary Cancer Syndrome. Identifiers: Orphanet 140162, MedGen C0027672, MeSH D009386, MONDO:0015356.

Allele frequency attached by ClinVar (database versions not stated): TOPMed 0.00001; gnomAD 0.00002; gnomAD exomes 0.00002.
gnomAD v4.1: 40 of 1,613,846 alleles (0.0025%); highest among the groups gnomAD compares: Non-Finnish European, 0.0031%; no homozygotes.

Submissions (3):

Labcorp Genetics (formerly Invitae), Labcorp
Classification: Uncertain significance for Renal cell carcinoma. Last evaluated: 2025-11-02. Review status: criteria provided, single submitter. Criteria: Invitae Variant Classification Sherloc (09022015). Collection method: clinical testing. Allele origin: germline.
Comment: This sequence change replaces glycine, which is neutral and non-polar, with arginine, which is basic and polar, at codon 1137 of the MET protein (p.Gly1137Arg). This variant is present in population databases (no rsID available, gnomAD 0.02%). This variant has not been reported in the literature in individuals affected with MET-related conditions. ClinVar contains an entry for this variant (Variation ID: 834879). Invitae Evidence Modeling of protein sequence and biophysical properties (such as structural, functional, and spatial information, amino acid conservation, physicochemical variation, residue mobility, and thermodynamic stability) indicates that this missense variant is not expected to disrupt MET protein function with a negative predictive value of 80%. In summary, the available evidence is currently insufficient to determine the role of this variant in disease. Therefore, it has been classified as a Variant of Uncertain Significance.

Mayo Clinic Laboratories, Mayo Clinic
Classification: Uncertain significance. Last evaluated: 2025-02-18. Review status: criteria provided, single submitter. Criteria: ACMG Guidelines, 2015. Collection method: clinical testing. Allele origin: germline. Observed: 1 variant allele.

Ambry Genetics
Classification: Likely benign for Hereditary cancer-predisposing syndrome. Last evaluated: 2023-07-05. Review status: criteria provided, single submitter. Criteria: Ambry Variant Classification Scheme 2023. Collection method: clinical testing. Allele origin: germline.